The following is an entry in ClinVar:

ClinVar aggregate classification (germline): Uncertain significance (1 of 4 stars; one submission).

gnomAD v4.1: 1 of 1,613,462 alleles (0.000062%); highest among the groups gnomAD compares: East Asian, 0.0022%; no homozygotes.

Submission:

Labcorp Genetics (formerly Invitae), Labcorp
Classification: Uncertain significance. Last evaluated: 2023-12-06. Review status: criteria provided, single submitter. Criteria: Invitae Variant Classification Sherloc (09022015). Collection method: clinical testing. Allele origin: germline.
Comment: This sequence change falls in intron 44 of the ATR gene. It does not directly change the encoded amino acid sequence of the ATR protein. It affects a nucleotide within the consensus splice site. This variant is not present in population databases (gnomAD no frequency). This variant has not been reported in the literature in individuals affected with ATR-related conditions. Variants that disrupt the consensus splice site are a relatively common cause of aberrant splicing (PMID: 17576681, 9536098). Algorithms developed to predict the effect of sequence changes on RNA splicing suggest that this variant is not likely to affect RNA splicing. In summary, the available evidence is currently insufficient to determine the role of this variant in disease. Therefore, it has been classified as a Variant of Uncertain Significance.

Literature cited by the submitters: PubMed 17576681; PubMed 9536098.

NM_001184.4(ATR):c.7503+4T>A

Gene: ATR (ATR checkpoint kinase; minus strand). Cytogenetic location: 3q23.
Variant type: single nucleotide variant.
Coding change: c.7503+4T>A on transcript NM_001184.4 (MANE Select); 4 bases into the intron after coding-DNA position 7503, T replaced by A.
Molecular consequence: intron variant.
Genome position (GRCh38, 1-based): chr3:142,458,954, A>T on the plus strand (T>A on the coding strand, the complement: ATR is on the minus strand). VCF-style: chr3-142458954-A-T. GRCh37 (hg19) VCF-style: chr3-142177796-A-T.
Other names: c.7311+4T>A (NM_001354579.2).
Identifiers: ClinVar variation 2712223 (VCV002712223.3), dbSNP rs2108259777, ClinGen allele CA2668038321.